The following is an entry in ClinVar:

NC_000010.10:g.(?_70209765)_(70210024_?)dup

Gene: DNA2 (DNA replication helicase/nuclease 2; minus strand). Cytogenetic location: 10q21.3.
Variant type: Duplication.
Identifiers: ClinVar variation 2423645 (VCV002423645.4).

ClinVar aggregate classification (germline): Uncertain significance (1 of 4 stars; one submission).

Submission:

Labcorp Genetics (formerly Invitae), Labcorp
Classification: Uncertain significance. Last evaluated: 2023-08-04. Review status: criteria provided, single submitter. Criteria: Invitae Variant Classification Sherloc (09022015). Collection method: clinical testing. Allele origin: germline.
Comment: In summary, the available evidence is currently insufficient to determine the role of this variant in disease. Therefore, it has been classified as a Variant of Uncertain Significance. This variant has not been reported in the literature in individuals affected with DNA2-related conditions. This variant results in a copy number gain of the genomic region encompassing exon(s) 6 of the DNA2 gene. While the exact position of this variant cannot be determined from the data, sub-genic copy number gains are generally in tandem (PMID: 25640679). This variant is predicted to be out-of-frame, and may result in an absent or disrupted protein product. However, the current clinical and genetic evidence is not sufficient to establish whether loss-of-function variants in DNA2 cause disease.

Literature cited by the submitters: PubMed 25640679.